The following is an entry in ClinVar:

NM_024334.3(TMEM43):c.654C>G (p.Ile218Met)

Gene: TMEM43 (transmembrane protein 43; plus strand). Cytogenetic location: 3p25.1.
Variant type: single nucleotide variant.
Coding change: c.654C>G on transcript NM_024334.3 (MANE Select); coding-DNA position 654, C replaced by G.
Protein change: p.Ile218Met; replaces isoleucine 218 with methionine.
Molecular consequence: missense variant.
Genome position (GRCh38, 1-based): chr3:14,134,840, C>G. VCF-style: chr3-14134840-C-G. GRCh37 (hg19) VCF-style: chr3-14176340-C-G.
Other names: short protein forms I218M.
Identifiers: ClinVar variation 924227 (VCV000924227.5), dbSNP rs755270250, ClinGen allele CA054746.

ClinVar aggregate classification (germline): Uncertain significance (1 of 4 stars; one submission).

Conditions:
Cardiomyopathy (CMYO). Also called: Cardiomyopathies. Identifiers: Orphanet 167848, MedGen C0878544, MONDO:0004994, HP:0001638. Inheritance: Various modes of inheritance.

Allele frequency attached by ClinVar (database versions not stated): gnomAD below 0.00001 and 0.00001.

Submission:

Color Diagnostics, LLC DBA Color Health
Classification: Uncertain significance for Cardiomyopathy. Last evaluated: 2024-03-06. Review status: criteria provided, single submitter. Criteria: ACMG Guidelines, 2015. Collection method: clinical testing. Allele origin: germline.
Comment: This missense variant replaces isoleucine with methionine at codon 218 of the TMEM43 protein. Computational prediction suggests that this variant may not impact protein structure and function (internally defined REVEL score threshold <= 0.5, PMID: 27666373). To our knowledge, functional studies have not been reported for this variant. This variant has not been reported in individuals affected with cardiovascular disorders in the literature. This variant has been identified in 6/251322 chromosomes in the general population by the Genome Aggregation Database (gnomAD). The available evidence is insufficient to determine the role of this variant in disease conclusively. Therefore, this variant is classified as a Variant of Uncertain Significance.